The following is an entry in ClinVar:

NM_002432.3(MNDA):c.1039T>C (p.Ser347Pro)

Gene: MNDA (myeloid cell nuclear differentiation antigen; plus strand). Cytogenetic location: 1q23.1.
Variant type: single nucleotide variant.
Coding change: c.1039T>C on transcript NM_002432.3 (MANE Select); coding-DNA position 1039, T replaced by C.
Protein change: p.Ser347Pro; replaces serine 347 with proline.
Molecular consequence: missense variant.
Genome position (GRCh38, 1-based): chr1:158,847,779, T>C. VCF-style: chr1-158847779-T-C. GRCh37 (hg19) VCF-style: chr1-158817569-T-C.
Other names: short protein forms S347P.
Identifiers: ClinVar variation 1773593 (VCV001773593.2), dbSNP rs1431587265, ClinGen allele CA343043929.
Genomic context (GRCh38, chr1:158,847,779, plus strand): 5'-CTTTTGCAGAAAAGCGTACACAAGAAGAACACAATTTATGAAATACAGGATAATACAGGA[T>C]CCATGGATGTAGTGGGGAGTGGAAAATGGCACAATATCAAGTGTGAGAAAGGAGATAAAC-3'
Protein context (NP_002423.1, residues 337-357): TIYEIQDNTG[Ser347Pro]MDVVGSGKWH

ClinVar aggregate classification (germline): Uncertain significance (1 of 4 stars; one submission).

Allele frequency attached by ClinVar (database versions not stated): gnomAD exomes below 0.00001; TOPMed below 0.00001.
gnomAD v4.1: 1 of 1,613,992 alleles (0.000062%); highest among the groups gnomAD compares: Non-Finnish European, 0.000085%; no homozygotes.

Submission:

Ambry Genetics
Classification: Uncertain significance. Last evaluated: 2022-01-07. Review status: criteria provided, single submitter. Criteria: Ambry Variant Classification Scheme 2023. Collection method: clinical testing. Allele origin: germline.
Comment: The p.S347P variant (also known as c.1039T>C), located in coding exon 5 of the MNDA gene, results from a T to C substitution at nucleotide position 1039. The serine at codon 347 is replaced by proline, an amino acid with similar properties. This amino acid position is conserved. In addition, this alteration is predicted to be tolerated by in silico analysis. Since supporting evidence is limited at this time, the clinical significance of this alteration remains unclear.